The following is an entry in ClinVar:

NM_033380.3(COL4A5):c.417dup (p.Pro140fs)

Gene: COL4A5 (collagen type IV alpha 5 chain; plus strand). Cytogenetic location: Xq22.3.
Variant type: Duplication.
Coding change: c.417dup on transcript NM_033380.3 (MANE Select); coding-DNA position 417, one base duplicated (T; older notation c.417dupT).
Protein change: p.Pro140fs; shifts the reading frame from proline 140.
Molecular consequence: frameshift variant.
Genome position (GRCh38, 1-based): chrX:108,571,445, T duplicated; the last of 4 consecutive T bases (chrX:108,571,442-108,571,445); duplicating any one gives the same sequence. VCF-style (leftmost placement, unchanged base first): chrX-108571441-G-GT. GRCh37 (hg19) VCF-style: chrX-107814671-G-GT.
Other names: c.417dup, p.Pro140fs (NM_000495.5); short protein forms P140fs.
Identifiers: ClinVar variation 5012221 (VCV005012221.1).

ClinVar aggregate classification (germline): Pathogenic (1 of 4 stars; one submission).

Conditions:
X-linked Alport syndrome (ATS1). Also called: NEPHROPATHY AND DEAFNESS, X-LINKED; COL4A5-Related Nephropathy. Identifiers: Orphanet 63, Orphanet 88917, MedGen C4746986, MONDO:0010520, OMIM 301050.

Submission:

Myriad Genetics, Inc.
Classification: Pathogenic for X-linked Alport syndrome. Last evaluated: 2023-09-27. Review status: criteria provided, single submitter. Criteria: Myriad Autosomal Dominant, Autosomal Recessive and X-Linked Classification Criteria (2023). Collection method: clinical testing. Allele origin: unknown.
Comment: NM_000495.4(COL4A5):c.417dupT(P140Sfs*18) is expected to be pathogenic in the context of X-linked Alport syndrome. This variant is predicted to lead to an abnormal or absent protein product due to the creation of a premature termination codon in COL4A5, a gene where loss-of-function variants are known to be pathogenic. Please note: this variant was assessed in the context of healthy population screening.